The following is an entry in ClinVar:

NM_006767.4(LZTR1):c.2301C>G (p.Asn767Lys)

Gene: LZTR1 (leucine zipper like post translational regulator 1; plus strand). Cytogenetic location: 22q11.21.
Variant type: single nucleotide variant.
Coding change: c.2301C>G on transcript NM_006767.4 (MANE Select); coding-DNA position 2301, C replaced by G.
Protein change: p.Asn767Lys; replaces asparagine 767 with lysine.
Molecular consequence: missense variant.
Genome position (GRCh38, 1-based): chr22:20,996,777, C>G. VCF-style: chr22-20996777-C-G. GRCh37 (hg19) VCF-style: chr22-21351066-C-G.
Other names: short protein forms N767K.
Identifiers: ClinVar variation 3698448 (VCV003698448.2).
Genomic context (GRCh38, chr22:20,996,777, plus strand): 5'-CTACTACGGCTTCTACAACAACCGGCTGCAGGCGTACTGCAAGCAGAACCTGGAGATGAA[C>G]GTGACGGTGCAGAACGTGCTGCAGGTAGCCCCCCAGCCCCGTGCACATGGCTGCAGCTCC-3'
Protein context (NP_006758.2, residues 757-777): QAYCKQNLEM[Asn767Lys]VTVQNVLQIL

ClinVar aggregate classification (germline): Uncertain significance (1 of 4 stars; one submission).

gnomAD v4.1: 1 of 1,613,590 alleles (0.000062%); highest among the groups gnomAD compares: Non-Finnish European, 0.000085%; no homozygotes.

Submission:

Labcorp Genetics (formerly Invitae), Labcorp
Classification: Uncertain significance. Last evaluated: 2024-12-17. Review status: criteria provided, single submitter. Criteria: Invitae Variant Classification Sherloc (09022015). Collection method: clinical testing. Allele origin: germline.
Comment: This sequence change replaces asparagine, which is neutral and polar, with lysine, which is basic and polar, at codon 767 of the LZTR1 protein (p.Asn767Lys). This variant is not present in population databases (gnomAD no frequency). This variant has not been reported in the literature in individuals affected with LZTR1-related conditions. Invitae Evidence Modeling of protein sequence and biophysical properties (such as structural, functional, and spatial information, amino acid conservation, physicochemical variation, residue mobility, and thermodynamic stability) indicates that this missense variant is not expected to disrupt LZTR1 protein function with a negative predictive value of 80%. Algorithms developed to predict the effect of sequence changes on RNA splicing suggest that this variant may create or strengthen a splice site. In summary, the available evidence is currently insufficient to determine the role of this variant in disease. Therefore, it has been classified as a Variant of Uncertain Significance.